The following is an entry in ClinVar:

ClinVar aggregate classification (germline): Pathogenic/Likely pathogenic. Review status: criteria provided, multiple submitters, no conflicts (2 of 4 stars). 3 submissions from 3 submitters: Pathogenic (1); Likely pathogenic (1). 1 of the submissions does not count toward it. Last evaluated 2024-05-16.

Conditions:
Hereditary insensitivity to pain with anhidrosis (CIPA). Also called: NEUROPATHY, CONGENITAL SENSORY, WITH ANHIDROSIS; hereditary sensory and autonomic neuropathy type 4; INSENSITIVITY TO PAIN, CONGENITAL, WITH ANHIDROSIS; FAMILIAL DYSAUTONOMIA, TYPE II; HSAN Type IV; NTRK1 Congenital Insensitivity to Pain with Anhidrosis. Identifiers: Orphanet 642, MedGen C0020074, MONDO:0009746, OMIM 256800.

Submissions (3):

Fulgent Genetics
Classification: Pathogenic for Hereditary insensitivity to pain with anhidrosis. Last evaluated: 2024-05-16. Review status: criteria provided, single submitter. Criteria: ACMG Guidelines, 2015. Collection method: clinical testing. Allele origin: germline.

GeneDx
Classification: Likely pathogenic. Last evaluated: 2014-09-03. Review status: criteria provided, single submitter. Criteria: GeneDx Variant Classification (06012015). Collection method: clinical testing. Allele origin: germline. Affected: yes.
Comment: A novel V211E variant that is likely pathogenic was identified in the NTRK1 gene. It has not been published as a pathogenic variant, nor has it been reported as a benign polymorphism to our knowledge. The V211E variant was not observed in approximately 6,400 individuals of European and African American ancestry in an external variant database, indicating it is not a common benign variant in these populations. The V211E variant is a non-conservative amino acid substitution, which is likely to impact secondary protein structure as these residues differ in polarity, charge, size and/or other properties. This substitution occurs at a position that is conserved in the protein. In silico analysis predicts this variant is probably damaging to the protein structure/function. A missense variant in a nearby residue (L213P) has been reported in the Human Gene Mutation Database in association with congenital pain insensitivity (Stenson et al., 2009), supporting the functional importance of this region of the protein. Therefore, this is a strong candidate for a pathogenic variant, however the possibility that it is a benign variant cannot be excluded.

Natera, Inc.
Classification: Likely pathogenic for Hereditary insensitivity to pain with anhidrosis. Last evaluated: 2020-09-18. Review status: no assertion criteria provided. Collection method: clinical testing. Allele origin: germline. Not counted in ClinVar's aggregate classification.

NM_002529.4(NTRK1):c.632T>A (p.Val211Glu)

Gene: NTRK1 (neurotrophic receptor tyrosine kinase 1; plus strand). Cytogenetic location: 1q23.1.
Variant type: single nucleotide variant.
Coding change: c.632T>A on transcript NM_002529.4 (MANE Select); coding-DNA position 632, T replaced by A.
Protein change: p.Val211Glu; replaces valine 211 with glutamic acid.
Molecular consequence: missense variant.
Genome position (GRCh38, 1-based): chr1:156,868,562, T>A. VCF-style: chr1-156868562-T-A. GRCh37 (hg19) VCF-style: chr1-156838354-T-A.
Other names: c.542T>A, p.Val181Glu (NM_001007792.1); c.632T>A, p.Val211Glu (NM_001012331.2); short protein forms V181E, V211E.
Identifiers: ClinVar variation 418391 (VCV000418391.4), dbSNP rs1064793219, ClinGen allele CA16617006.